The following is an entry in ClinVar:

NM_001164665.2(KIAA1549):c.3655A>G (p.Asn1219Asp)

Gene: KIAA1549 (KIAA1549; minus strand). Cytogenetic location: 7q34.
Variant type: single nucleotide variant.
Coding change: c.3655A>G on transcript NM_001164665.2 (MANE Select); coding-DNA position 3655, A replaced by G.
Protein change: p.Asn1219Asp; replaces asparagine 1219 with aspartic acid.
Molecular consequence: missense variant.
Genome position (GRCh38, 1-based): chr7:138,903,602, T>C on the plus strand (A>G on the coding strand, the complement: KIAA1549 is on the minus strand). VCF-style: chr7-138903602-T-C. GRCh37 (hg19) VCF-style: chr7-138588348-T-C.
Other names: c.3655A>G, p.Asn1219Asp (NM_020910.3); short protein forms N1219D.
Identifiers: ClinVar variation 961041 (VCV000961041.9), dbSNP rs1811904559, ClinGen allele CA369381996.
Genomic context (GRCh38, chr7:138,903,602, plus strand): 5'-TCTCTCTCCCTCTCTCTCCTTCCCCTCCTCCTTTGATGTGGAGTACCTGCACCACACTGT[T>C]CCCTGCAGCTACAGTGGCCCTTCTCCACATCCGCCTTCTGGTGGAAACCTCGCTGAGCAG-3'
Protein context (NP_001158137.1, residues 1209-1229): MWRRATVAAG[Asn1219Asp]SVVQVVNVSR

ClinVar aggregate classification (germline): Uncertain significance (1 of 4 stars; one submission).

Submission:

Labcorp Genetics (formerly Invitae), Labcorp
Classification: Uncertain significance. Last evaluated: 2019-10-14. Review status: criteria provided, single submitter. Criteria: Invitae Variant Classification Sherloc (09022015). Collection method: clinical testing. Allele origin: germline.
Comment: This sequence change replaces asparagine with aspartic acid at codon 1219 of the KIAA1549 protein (p.Asn1219Asp). The asparagine residue is highly conserved and there is a small physicochemical difference between asparagine and aspartic acid. In summary, the available evidence is currently insufficient to determine the role of this variant in disease. Therefore, it has been classified as a Variant of Uncertain Significance. Algorithms developed to predict the effect of missense changes on protein structure and function are either unavailable or do not agree on the potential impact of this missense change (SIFT: "Deleterious"; PolyPhen-2: "Probably Damaging"; Align-GVGD: "Class C0"). This variant has not been reported in the literature in individuals with KIAA1549-related conditions. This variant is not present in population databases (ExAC no frequency).